The following is an entry in ClinVar:

ClinVar aggregate classification (germline): Benign. Review status: criteria provided, single submitter (1 of 4 stars). 2 submissions from 2 submitters: Benign (1). 1 of the submissions does not count toward it. Last evaluated 2024-05-01.

Conditions:
NOP56-related disorder. Also called: NOP56-related condition.

Submissions (3):

CeGaT Center for Human Genetics Tuebingen
Classification: Benign. Last evaluated: 2024-05-01. Review status: criteria provided, single submitter. Criteria: CeGaT Center For Human Genetics Tuebingen Variant Classification Criteria Version 2. Collection method: clinical testing. Allele origin: germline. Affected: yes. Observed: 1 variant allele.
Comment: NOP56: BP4, BS1, BS2

PreventionGenetics, part of Exact Sciences
Classification: Likely benign for NOP56-related condition. Last evaluated: 2019-05-29. Review status: no assertion criteria provided. Collection method: clinical testing. Allele origin: germline. Not counted in ClinVar's aggregate classification.
Comment: This variant is classified as likely benign based on ACMG/AMP sequence variant interpretation guidelines (Richards et al. 2015 PMID: 25741868, with internal and published modifications).

Dr. Peter K. Rogan Lab, Western University
No classification provided (evidence only). Condition: Uveal melanoma. Review status: no classification provided. Collection method: in vitro. Allele origin: not applicable. Functional consequence: retained intron. Not counted in ClinVar's aggregate classification.

NM_006392.4(NOP56):c.371-5_371-3del

Gene: NOP56 (NOP56 ribonucleoprotein; plus strand). Cytogenetic location: 20p13.
Variant type: Microsatellite.
Coding change: c.371-5_371-3del on transcript NM_006392.4 (MANE Select); 5 bases into the intron before coding-DNA position 371 through 3 bases into the intron before coding-DNA position 371, 3 bases deleted (CTT; older notation c.371-5_371-3delCTT).
Molecular consequence: intron variant.
Genome position (GRCh38, 1-based): chr20:2,654,744-2,654,746, CTT deleted; deleting any 3 consecutive bases within chr20:2,654,740-2,654,746 gives the same sequence; the c. name uses the placement nearest the transcript's 3' end. VCF-style (leftmost placement, unchanged base first): chr20-2654739-CTCT-C. GRCh37 (hg19) VCF-style: chr20-2635385-CTCT-C.
Other names: NC_000020.10:g.2635390_2635392del.
Identifiers: ClinVar variation 3044885 (VCV003044885.20), dbSNP rs542648737, ClinGen allele CA9734386.
Genomic context (GRCh38, chr20:2,654,739, plus strand): 5'-GGGCTGGTGCCCGTGGGTGCGGGAGCTAGCTCAGAGCCCCTTGTTGCTCACCGTCTTGCC[CTCT>C]TCTTAGGAGTTCGTCTGCACTTCCACAATCTGGTGAAGGGTCTGACCGATCTGTCAGCTT-3'